The following is an entry in ClinVar:

ClinVar aggregate classification (germline): Uncertain significance (1 of 4 stars; one submission).

gnomAD v4.1: 1 of 1,614,104 alleles (0.000062%); highest among the groups gnomAD compares: African/African-American, 0.0013%; no homozygotes.

Submission:

GeneDx
Classification: Uncertain significance. Last evaluated: 2025-07-01. Review status: criteria provided, single submitter. Criteria: GeneDx Variant Classification Process June 2021. Collection method: clinical testing. Allele origin: germline.
Comment: Not observed at significant frequency in large population cohorts (gnomAD); In silico analysis supports that this missense variant has a deleterious effect on protein structure/function; Has not been previously published as pathogenic or benign to our knowledge

NM_207037.2(TCF12):c.1412T>G (p.Leu471Arg)

Gene: TCF12 (transcription factor 12; plus strand). Cytogenetic location: 15q21.3.
Variant type: single nucleotide variant.
Coding change: c.1412T>G on transcript NM_207037.2 (MANE Select); coding-DNA position 1412, T replaced by G.
Protein change: p.Leu471Arg; replaces leucine 471 with arginine.
Molecular consequence: missense variant.
Genome position (GRCh38, 1-based): chr15:57,253,413, T>G. VCF-style: chr15-57253413-T-G. GRCh37 (hg19) VCF-style: chr15-57545611-T-G.
Other names: c.902T>G, p.Leu301Arg (NM_001306219.3); c.632T>G, p.Leu211Arg (NM_001306220.3); c.1412T>G, p.Leu471Arg (NM_001322151.2, NM_001322152.2, NM_001322159.3 and 2 more transcripts); c.755T>G, p.Leu252Arg (NM_001322154.2); c.1238T>G, p.Leu413Arg (NM_001322156.2); c.1340T>G, p.Leu447Arg (NM_001322157.3, NM_001322165.2, NM_003205.4 and 1 more transcripts); c.1166T>G, p.Leu389Arg (NM_001322158.2); c.1409T>G, p.Leu470Arg (NM_001322161.2); and 2 more; short protein forms L211R, L252R, L277R, L301R, L389R, L413R, L447R, L459R.
Identifiers: ClinVar variation 3375806 (VCV003375806.2).